The following is an entry in ClinVar:

NM_019066.5(MAGEL2):c.2587C>A (p.Gln863Lys)

Gene: MAGEL2 (MAGE family member L2; minus strand). Cytogenetic location: 15q11.2.
Variant type: single nucleotide variant.
Coding change: c.2587C>A on transcript NM_019066.5 (MANE Select); coding-DNA position 2587, C replaced by A.
Protein change: p.Gln863Lys; replaces glutamine 863 with lysine.
Molecular consequence: missense variant.
Genome position (GRCh38, 1-based): chr15:23,645,156, G>T on the plus strand (C>A on the coding strand, the complement: MAGEL2 is on the minus strand). VCF-style: chr15-23645156-G-T. GRCh37 (hg19) VCF-style: chr15-23890303-G-T.
Other names: p.Gln863Lys; short protein forms Q863K.
Identifiers: ClinVar variation 2203764 (VCV002203764.3), dbSNP rs774484445, ClinGen allele CA7429871.

ClinVar aggregate classification (germline): Uncertain significance. Review status: criteria provided, multiple submitters, no conflicts (2 of 4 stars). 2 submissions from 2 submitters: Uncertain significance (2). Last evaluated 2022-12-22.

Conditions:
Schaaf-Yang syndrome (SHFYNG). Also called: MAGEL2-related Prader-Willi-like syndrome; Arthrogryposis, distal, with hypopituitarism, intellectual disability, and facial anomalies. Identifiers: Orphanet 398069, MedGen C5575066, MONDO:0014243, OMIM 615547.

Allele frequency attached by ClinVar (database versions not stated): TOPMed below 0.00001; gnomAD exomes 0.00001; ExAC 0.00002.

Submissions (2):

Foundation for Research in Genetics and Endocrinology, FRIGE's Institute of Human Genetics
Classification: Uncertain significance for Schaaf-Yang syndrome. Last evaluated: 2022-12-22. Review status: criteria provided, single submitter. Criteria: ACMG Guidelines, 2015. Collection method: clinical testing. Allele origin: germline. Inheritance: Autosomal dominant inheritance. Affected: yes.
Comment: A heterozygous missense variation in exon 1 of the MAGEL2 gene that results in the amino acid substitution of Lysine for Glutamine at codon 863 (p.Gln863Lys) was detected. This variant has not been reported in the 1000 genomes and gnomAD databases. The reference codon is conserved across mammals. In summary, the variant meets our criteria to be classified as a variant of uncertain significance.

New York Genome Center
Classification: Uncertain significance for Schaaf-Yang syndrome. Last evaluated: 2022-04-15. Review status: criteria provided, single submitter. Criteria: NYGC Assertion Criteria 2020. Collection method: clinical testing. Allele origin: germline. Observed: 1 heterozygote.